The following is an entry in ClinVar:

NM_000245.4(MET):c.1200+9C>A

Gene: MET (MET proto-oncogene, receptor tyrosine kinase; plus strand). Cytogenetic location: 7q31.2.
Variant type: single nucleotide variant.
Coding change: c.1200+9C>A on transcript NM_000245.4 (MANE Select); 9 bases into the intron after coding-DNA position 1200, C replaced by A.
Molecular consequence: intron variant.
Genome position (GRCh38, 1-based): chr7:116,700,293, C>A. VCF-style: chr7-116700293-C-A. GRCh37 (hg19) VCF-style: chr7-116340347-C-A.
Other names: c.1200+9C>A (NM_001127500.3, NM_001324401.3); c.-91+27716C>A (NM_001324402.2).
Identifiers: ClinVar variation 3773372 (VCV003773372.1).

ClinVar aggregate classification (germline): Likely benign (1 of 4 stars; one submission).

Conditions:
Papillary renal cell carcinoma type 1 (RCCP1). Also called: Renal adenocarcinoma; Renal cell carcinoma 1; Renal cell carcinoma, somatic; RENAL CELL CARCINOMA, PAPILLARY, 1, SOMATIC. Identifiers: Orphanet 47044, MedGen C1336839, OMIM 605074, HP:0011797.

Submission:

Myriad Genetics, Inc.
Classification: Likely benign for Papillary renal cell carcinoma type 1. Last evaluated: 2024-11-07. Review status: criteria provided, single submitter. Criteria: Myriad Autosomal Dominant, Autosomal Recessive and X-Linked Classification Criteria (2023). Collection method: clinical testing. Allele origin: unknown.
Comment: This variant is considered likely benign. This variant is intronic and is not expected to impact mRNA splicing.